The following is an entry in ClinVar:

ClinVar aggregate classification (germline): Uncertain significance. Review status: criteria provided, multiple submitters, no conflicts (2 of 4 stars). 2 submissions from 2 submitters: Uncertain significance (2). Last evaluated 2024-04-05.

Conditions:
Joubert syndrome. Also called: Familial aplasia of the vermis; JOUBERT-BOLTSHAUSER SYNDROME. Identifiers: Orphanet 475, MedGen C5979921, MONDO:0018772.
Orofaciodigital syndrome I (OFD1). Also called: Oral-Facial-Digital Syndrome Type I; Papillon-Leage and Psaume Syndrome; OFDS I. Identifiers: Orphanet 2750, MedGen C1510460, MONDO:0010702, OMIM 311200.

Allele frequency attached by ClinVar (database versions not stated): gnomAD 0.00001.
gnomAD v4.1: 7 of 1,200,319 alleles (0.00058%); highest among the groups gnomAD compares: African/African-American, 0.0018%; no homozygotes.

Submissions (2):

Blueprint Genetics
Classification: Uncertain significance. Last evaluated: 2024-04-05. Review status: criteria provided, single submitter. Criteria: ACMG Guidelines, 2015. Collection method: clinical testing. Allele origin: germline.

Labcorp Genetics (formerly Invitae), Labcorp
Classification: Uncertain significance for Orofaciodigital syndrome I; Joubert syndrome. Last evaluated: 2024-03-05. Review status: criteria provided, single submitter. Criteria: Invitae Variant Classification Sherloc (09022015). Collection method: clinical testing. Allele origin: germline.
Comment: This sequence change replaces methionine, which is neutral and non-polar, with leucine, which is neutral and non-polar, at codon 434 of the OFD1 protein (p.Met434Leu). This variant is not present in population databases (gnomAD no frequency). This variant has not been reported in the literature in individuals affected with OFD1-related conditions. ClinVar contains an entry for this variant (Variation ID: 1472600). Advanced modeling of protein sequence and biophysical properties (such as structural, functional, and spatial information, amino acid conservation, physicochemical variation, residue mobility, and thermodynamic stability) performed at Invitae indicates that this missense variant is not expected to disrupt OFD1 protein function with a negative predictive value of 80%. In summary, the available evidence is currently insufficient to determine the role of this variant in disease. Therefore, it has been classified as a Variant of Uncertain Significance.

NM_003611.3(OFD1):c.1300A>T (p.Met434Leu)

Gene: OFD1 (OFD1 centriole and centriolar satellite protein; plus strand). Cytogenetic location: Xp22.2.
Variant type: single nucleotide variant.
Coding change: c.1300A>T on transcript NM_003611.3 (MANE Select); coding-DNA position 1300, A replaced by T.
Protein change: p.Met434Leu; replaces methionine 434 with leucine.
Molecular consequence: missense variant.
Genome position (GRCh38, 1-based): chrX:13,756,656, A>T. VCF-style: chrX-13756656-A-T. GRCh37 (hg19) VCF-style: chrX-13774775-A-T.
Other names: c.1180A>T, p.Met394Leu (NM_001330209.2); c.880A>T, p.Met294Leu (NM_001330210.2); short protein forms M434L, M394L, M294L.
Identifiers: ClinVar variation 1472600 (VCV001472600.9), dbSNP rs1191893961, ClinGen allele CA412342680.
Genomic context (GRCh38, chrX:13,756,656, plus strand): 5'-AAAGCCCAGTCTTTGGCAATAACAAAACAAAACCATATGCTGAATGAAAAGGTTAAAGAG[A>T]TGAGTGATTATTCACTACTAAAAGAAGAGAAACTGGAGCTTCTGGCACAAAATAAATTAC-3'
Protein context (NP_003602.1, residues 424-444): NHMLNEKVKE[Met434Leu]SDYSLLKEEK